The following is an entry in ClinVar:

NM_004539.4(NARS1):c.524C>G (p.Thr175Arg)

Gene: NARS1 (asparaginyl-tRNA synthetase 1; minus strand). Cytogenetic location: 18q21.31.
Variant type: single nucleotide variant.
Coding change: c.524C>G on transcript NM_004539.4 (MANE Select); coding-DNA position 524, C replaced by G.
Protein change: p.Thr175Arg; replaces threonine 175 with arginine.
Molecular consequence: missense variant.
Genome position (GRCh38, 1-based): chr18:57,609,412, G>C on the plus strand (C>G on the coding strand, the complement: NARS1 is on the minus strand). VCF-style: chr18-57609412-G-C. GRCh37 (hg19) VCF-style: chr18-55276644-G-C.
Other names: short protein forms T175R.
Identifiers: ClinVar variation 3368407 (VCV003368407.1).
Genomic context (GRCh38, chr18:57,609,412, plus strand): 5'-CTCACCTGCTTGCCCTTTGGGGTAAGATTTAGCATTCCATACACTGCAACACTGCTCTCC[G>C]TGGACAAGAGAACTCCATTGTAGCACTGACACTATAAAAAGGTCAAAGCTCAAATTTAGT-3'
Protein context (NP_004530.1, residues 165-185): CQCYNGVLLS[Thr175Arg]ESSVAVYGML

ClinVar aggregate classification (germline): Uncertain significance (1 of 4 stars; one submission).

Submission:

GeneDx
Classification: Uncertain significance. Last evaluated: 2024-01-25. Review status: criteria provided, single submitter. Criteria: GeneDx Variant Classification Process June 2021. Collection method: clinical testing. Allele origin: germline. Affected: yes.
Comment: Not observed at significant frequency in large population cohorts (gnomAD); In silico analysis supports that this missense variant has a deleterious effect on protein structure/function; In silico analysis suggests this variant may impact gene splicing. In the absence of RNA/functional studies, the actual effect of this sequence change is unknown.; Has not been previously published as pathogenic or benign to our knowledge